The following is an entry in ClinVar:

NM_001025603.2(RFX5):c.1090A>G (p.Thr364Ala)

Gene: RFX5 (regulatory factor X5; minus strand). Cytogenetic location: 1q21.3.
Variant type: single nucleotide variant.
Coding change: c.1090A>G on transcript NM_001025603.2 (MANE Select); coding-DNA position 1090, A replaced by G.
Protein change: p.Thr364Ala; replaces threonine 364 with alanine.
Molecular consequence: missense variant.
Genome position (GRCh38, 1-based): chr1:151,342,947, T>C on the plus strand (A>G on the coding strand, the complement: RFX5 is on the minus strand). VCF-style: chr1-151342947-T-C. GRCh37 (hg19) VCF-style: chr1-151315423-T-C.
Other names: c.970A>G, p.Thr324Ala (NM_001379419.1, NM_001379420.1); c.1090A>G, p.Thr364Ala (NM_000449.4, NM_001379412.1, NM_001379413.1 and 5 more transcripts); short protein forms T364A, T324A.
Identifiers: ClinVar variation 876544 (VCV000876544.11), dbSNP rs1290400173, ClinGen allele CA341929738.
Genomic context (GRCh38, chr1:151,342,947, plus strand): 5'-TCATGTTAATGATGGGCACAGCTGCTGGGGGTGCCCCGGCCCTACTAGACAGAGGCAGTG[T>C]AGCCACTTTCAGGGCACCTGAAGAAAGCCTGGGGGCCAGAATAGGTGGAGAGACTGGGAT-3'
Protein context (NP_001020774.1, residues 354-374): RLSSGALKVA[Thr364Ala]LPLSSRAGAP

ClinVar aggregate classification (germline): Uncertain significance. Review status: criteria provided, multiple submitters, no conflicts (2 of 4 stars). 3 submissions from 3 submitters: Uncertain significance (3). Last evaluated 2024-11-11.

Conditions:
MHC class II deficiency. Also called: Bare lymphocyte syndrome 2; BLS, TYPE II. Identifiers: Orphanet 572, MedGen C5447452, MONDO:0008855.

Allele frequency attached by ClinVar (database versions not stated): gnomAD exomes below 0.00001; gnomAD 0.00001; TOPMed 0.00001.
gnomAD v4.1: 9 of 1,613,988 alleles (0.00056%); highest among the groups gnomAD compares: East Asian, 0.0045%; no homozygotes.

Submissions (3):

Labcorp Genetics (formerly Invitae), Labcorp
Classification: Uncertain significance for MHC class II deficiency. Last evaluated: 2024-11-11. Review status: criteria provided, single submitter. Criteria: Invitae Variant Classification Sherloc (09022015). Collection method: clinical testing. Allele origin: germline.
Comment: This sequence change replaces threonine, which is neutral and polar, with alanine, which is neutral and non-polar, at codon 364 of the RFX5 protein (p.Thr364Ala). This variant is present in population databases (no rsID available, gnomAD 0.06%). This variant has not been reported in the literature in individuals affected with RFX5-related conditions. ClinVar contains an entry for this variant (Variation ID: 876544). An algorithm developed to predict the effect of missense changes on protein structure and function outputs the following: PolyPhen-2: "Benign". The alanine amino acid residue is found in multiple mammalian species, which suggests that this missense change does not adversely affect protein function. In summary, the available evidence is currently insufficient to determine the role of this variant in disease. Therefore, it has been classified as a Variant of Uncertain Significance.

Genome-Nilou Lab
Classification: Uncertain significance for MHC class II deficiency 1. Last evaluated: 2023-04-11. Review status: criteria provided, single submitter. Criteria: ACMG Guidelines, 2015. Collection method: clinical testing. Allele origin: germline. Affected: no.

Illumina Laboratory Services, Illumina
Classification: Uncertain significance for MHC class II deficiency 1. Last evaluated: 2017-04-27. Review status: criteria provided, single submitter. Criteria: ICSL Variant Classification Criteria 13 December 2019. Collection method: clinical testing. Allele origin: germline.